The following is an entry in ClinVar:

NC_012920.1(MT-ND4):m.11129A>G

Gene: MT-ND4 (mitochondrially encoded NADH dehydrogenase 4; plus strand).
Variant type: single nucleotide variant.
Genome position: chrM-11129-A-G.
Identifiers: ClinVar variation 693344 (VCV000693344.1), dbSNP rs1603223122, ClinGen allele CA414809529.

ClinVar aggregate classification (germline): Likely benign (1 of 4 stars; one submission).

Conditions:
Leigh syndrome (NULS). Also called: Leigh's necrotizing encephalopathy; Leigh's disease; Leigh Syndrome (mtDNA deletion); Leigh Disease; Subacute necrotizing encephalopathy; Necrotizing encephalopathy infantile subacute of Leigh. Identifiers: Orphanet 506, MedGen C2931891, MONDO:0009723, OMIM 256000.

Submission:

Wong Mito Lab, Molecular and Human Genetics, Baylor College of Medicine
Classification: Likely benign for Leigh syndrome. Last evaluated: 2019-10-17. Review status: criteria provided, single submitter. Criteria: Modified ACMG Guidelines (Unpublished). Collection method: clinical testing. Allele origin: germline.
Comment: The NC_012920.1:m.11129A>G (YP_003024035.1:p.Thr124Ala) variant in MTND4 gene is interpretated to be a Likely Benign variant based on the modified ACMG guidelines (unpublished). This variant meets the following evidence codes: BS4, BP4